The following is an entry in ClinVar:

NM_012062.5(DNM1L):c.1707+4_1707+12del

Gene: DNM1L (dynamin 1 like; plus strand). Cytogenetic location: 12p11.21.
Variant type: Deletion.
Coding change: c.1707+4_1707+12del on transcript NM_012062.5 (MANE Select); bases 4 to 12 of the intron after coding-DNA position 1707, 9 bases deleted (AGTCTCTTG; older notation c.1707+4_1707+12delAGTCTCTTG).
Molecular consequence: splice donor variant. On other transcripts: intron variant (4).
Genome position (GRCh38, 1-based): chr12:32,738,300-32,738,308, AGTCTCTTG deleted; deleting any 9 consecutive bases within chr12:32,738,298-32,738,308 gives the same sequence; the c. name uses the placement nearest the transcript's 3' end. VCF-style (leftmost placement, unchanged base first): chr12-32738297-GTGAGTCTCT-G. GRCh37 (hg19) VCF-style: chr12-32891231-GTGAGTCTCT-G.
Other names: c.1746+4_1746+12del (NM_001278464.2); c.1713+358_1713+366del (NM_001278465.2); c.1635+1139_1635+1147del (NM_001330380.2); c.1098+4_1098+12del (NM_001278466.2); c.1674+358_1674+366del (NM_001278463.2); c.1629+4_1629+12del (NM_012063.4); c.1596+1139_1596+1147del (NM_005690.5).
Identifiers: ClinVar variation 2135665 (VCV002135665.4), dbSNP rs2541112667, ClinGen allele CA2580085371.
Genomic context (GRCh38, chr12:32,738,297, plus strand): 5'-TGCATGTTTTAACATATCTTTTAACAGTTAATTCAGGACAGCAGAAGAGAAACTAAAAAT[GTGAGTCTCT>G]TGCTTCAGAATGGAAATGTTGGTACCTTTGGTTCTCACTGAAACACTGTCTATACCACCA-3'

ClinVar aggregate classification (germline): Uncertain significance (1 of 4 stars; one submission).

Submission:

Labcorp Genetics (formerly Invitae), Labcorp
Classification: Uncertain significance. Last evaluated: 2022-05-13. Review status: criteria provided, single submitter. Criteria: Invitae Variant Classification Sherloc (09022015). Collection method: clinical testing. Allele origin: germline.
Comment: This sequence change falls in intron 16 of the DNM1L gene. It does not directly change the encoded amino acid sequence of the DNM1L protein. It affects a nucleotide within the consensus splice site. This variant is not present in population databases (gnomAD no frequency). This variant has not been reported in the literature in individuals affected with DNM1L-related conditions. Variants that disrupt the consensus splice site are a relatively common cause of aberrant splicing (PMID: 17576681, 9536098). Algorithms developed to predict the effect of sequence changes on RNA splicing suggest that this variant may disrupt the consensus splice site. In summary, the available evidence is currently insufficient to determine the role of this variant in disease. Therefore, it has been classified as a Variant of Uncertain Significance.

Literature cited by the submitters: PubMed 17576681; PubMed 9536098.